The following is an entry in ClinVar:

ClinVar aggregate classification (germline): Uncertain significance (1 of 4 stars; one submission).

Conditions:
Immunodeficiency, common variable, 10. Also called: IMMUNODEFICIENCY, COMMON VARIABLE, WITH CENTRAL ADRENAL INSUFFICIENCY; DEFICIT IN ANTERIOR PITUITARY FUNCTION AND VARIABLE IMMUNODEFICIENCY. Identifiers: MedGen C3809991, MONDO:0014260, OMIM 615577.

Allele frequency attached by ClinVar (database versions not stated): gnomAD 0.00001.

Submission:

Labcorp Genetics (formerly Invitae), Labcorp
Classification: Uncertain significance for Immunodeficiency, common variable, 10. Last evaluated: 2022-03-15. Review status: criteria provided, single submitter. Criteria: Invitae Variant Classification Sherloc (09022015). Collection method: clinical testing. Allele origin: germline.
Comment: This variant has not been reported in the literature in individuals affected with NFKB2-related conditions. The frequency data for this variant in the population databases is considered unreliable, as metrics indicate poor data quality at this position in the gnomAD database. This sequence change replaces alanine, which is neutral and non-polar, with threonine, which is neutral and polar, at codon 475 of the NFKB2 protein (p.Ala475Thr). Algorithms developed to predict the effect of missense changes on protein structure and function are either unavailable or do not agree on the potential impact of this missense change (SIFT: "Deleterious"; PolyPhen-2: "Possibly Damaging"; Align-GVGD: "Class C0"). In summary, the available evidence is currently insufficient to determine the role of this variant in disease. Therefore, it has been classified as a Variant of Uncertain Significance.

NM_001322934.2(NFKB2):c.1423G>A (p.Ala475Thr)

Gene: NFKB2 (nuclear factor kappa B subunit 2; plus strand). Cytogenetic location: 10q24.32.
Variant type: single nucleotide variant.
Coding change: c.1423G>A on transcript NM_001322934.2 (MANE Select); coding-DNA position 1423, G replaced by A.
Protein change: p.Ala475Thr; replaces alanine 475 with threonine.
Molecular consequence: missense variant.
Genome position (GRCh38, 1-based): chr10:102,399,672, G>A. VCF-style: chr10-102399672-G-A. GRCh37 (hg19) VCF-style: chr10-104159429-G-A.
Other names: c.1423G>A, p.Ala475Thr (NM_001077493.1, NM_001077494.3, NM_001261403.3 and 2 more transcripts); c.1297G>A, p.Ala433Thr (NM_001322935.1); short protein forms A433T, A475T.
Identifiers: ClinVar variation 1966747 (VCV001966747.5), dbSNP rs1362674189, ClinGen allele CA377899580.
Genomic context (GRCh38, chr10:102,399,672, plus strand): 5'-CAGCGCAGCGCCCGAGCCCTACTCGACTACGGCGTCACCGCGGACGCGCGCGCGCTGCTG[G>A]CGGGACAGCGCCACCTGCTGACGGCGCAGGACGAGAACGGAGACACGTAGGCAACAGAGG-3'
Protein context (NP_001309863.1, residues 465-485): GVTADARALL[Ala475Thr]GQRHLLTAQD